The following is an entry in ClinVar:

ClinVar aggregate classification (germline): Likely benign. Review status: criteria provided, multiple submitters, no conflicts (2 of 4 stars). 2 submissions from 2 submitters: Likely benign (2). Last evaluated 2025-02-13.

Conditions:
Hypercholesterolemia, autosomal dominant, 3 (FHCL3). Also called: Familial Hypercholesterolemia, Autosomal Dominant, 3; Familial hypercholesterolemia 3; PCSK9-Related Familial Hypercholesterolemia, Autosomal Dominant. Identifiers: MedGen C1863551, MONDO:0011369, OMIM 603776.

gnomAD v4.1: 20 of 1,611,952 alleles (0.0012%); highest among the groups gnomAD compares: South Asian, 0.019%; no homozygotes.

Submissions (2):

Women's Health and Genetics/Laboratory Corporation of America, LabCorp
Classification: Likely benign. Last evaluated: 2025-02-13. Review status: criteria provided, single submitter. Criteria: LabCorp Variant Classification Summary - May 2015. Collection method: clinical testing. Allele origin: germline.
Comment: Variant summary: PCSK9 c.997-17C>T alters a non-conserved nucleotide located at a position not widely known to affect splicing. Consensus agreement among computation tools predict no significant impact on normal splicing. However, these predictions have yet to be confirmed by functional studies. The variant allele was found at a frequency of 2e-05 in 250628 control chromosomes (gnomAD). The available data on variant occurrences in the general population are insufficient to allow any conclusion about variant significance. To our knowledge, no occurrence of c.997-17C>T in individuals affected with Familial Hypercholesterolemia and no experimental evidence demonstrating its impact on protein function have been reported. No submitters have cited clinical-significance assessments for this variant to ClinVar. Based on the evidence outlined above, the variant was classified as likely benign.

Labcorp Genetics (formerly Invitae), Labcorp
Classification: Likely benign for Hypercholesterolemia, autosomal dominant, 3. Last evaluated: 2024-11-15. Review status: criteria provided, single submitter. Criteria: Invitae Variant Classification Sherloc (09022015). Collection method: clinical testing. Allele origin: germline.

NM_174936.4(PCSK9):c.997-17C>T

Gene: PCSK9 (proprotein convertase subtilisin/kexin type 9; plus strand). Cytogenetic location: 1p32.3.
Variant type: single nucleotide variant.
Coding change: c.997-17C>T on transcript NM_174936.4 (MANE Select); 17 bases into the intron before coding-DNA position 997, C replaced by T.
Molecular consequence: intron variant.
Genome position (GRCh38, 1-based): chr1:55,057,314, C>T. VCF-style: chr1-55057314-C-T. GRCh37 (hg19) VCF-style: chr1-55522987-C-T.
Other names: c.622-17C>T (NM_001407246.1); c.1120-17C>T (NM_001407240.1); c.1000-17C>T (NM_001407242.1); c.997-17C>T (NM_001407241.1, NM_001407244.1, NM_001407247.1); c.940-17C>T (NM_001407243.1); c.805-17C>T (NM_001407245.1).
Identifiers: ClinVar variation 3634178 (VCV003634178.3).
Genomic context (GRCh38, chr1:55,057,314, plus strand): 5'-CTGGCAAGGCCTGAGTCTGCCTCTGCAACCCCTCTCTTGGGCTCCTTTCTCTGCCACCCA[C>T]CTCCTCACCTTTCCAGGTCATCACAGTTGGGGCCACCAATGCCCAAGACCAGCCGGTGAC-3'